The following is an entry in ClinVar:

ClinVar aggregate classification (germline): Uncertain significance (1 of 4 stars; one submission).

Submission:

CeGaT Center for Human Genetics Tuebingen
Classification: Uncertain significance. Last evaluated: 2026-08-01. Review status: criteria provided, single submitter. Criteria: CeGaT Center For Human Genetics Tuebingen Variant Classification Criteria Version 2. Collection method: clinical testing. Allele origin: germline. Affected: yes. Observed: 1 variant allele.
Comment: POLR1B: PM2, PP2, BP4

NM_001282772.2(POLR1B):c.83G>T (p.Arg28Leu)

Genes: POLR1B (RNA polymerase I subunit B; plus strand), LOC129934585 (ATAC-STARR-seq lymphoblastoid active region 16393; plus strand). Cytogenetic location: 2q14.1.
Variant type: single nucleotide variant.
Coding change: c.83G>T on transcript NM_001282772.2; coding-DNA position 83, G replaced by T.
Protein change: p.Arg28Leu; replaces arginine 28 with leucine.
Molecular consequence: missense variant.
Genome position (GRCh38, 1-based): chr2:112,542,463, G>T. VCF-style: chr2-112542463-G-T. GRCh37 (hg19) VCF-style: chr2-113300040-G-T.
Other names: short protein forms R28L.
Identifiers: ClinVar variation 5039110 (VCV005039110.1).